The following is an entry in ClinVar:

NM_001009944.3(PKD1):c.11274_11275del (p.Tyr3759fs)

Genes: PKD1 (polycystin 1, transient receptor potential channel interacting; minus strand), PKD1-AS1 (PKD1 antisense RNA 1; plus strand). Cytogenetic location: 16p13.3.
Variant type: Microsatellite.
Coding change: c.11274_11275del on transcript NM_001009944.3 (MANE Select); coding-DNA positions 11274 to 11275, 2 bases deleted (CT; older notation c.11274_11275delCT).
Protein change: p.Tyr3759fs; shifts the reading frame from tyrosine 3759.
Molecular consequence: frameshift variant.
Genome position (GRCh38, 1-based): chr16:2,092,183-2,092,184, AG deleted on the plus strand (CT on the coding strand, the reverse complement: PKD1 is on the minus strand); deleting any 2 consecutive bases within chr16:2,092,183-2,092,186 gives the same sequence; the c. name uses the placement nearest the transcript's 3' end. VCF-style (leftmost placement, unchanged base first): chr16-2092182-TAG-T. GRCh37 (hg19) VCF-style: chr16-2142183-TAG-T.
Other names: c.11271_11272delCT (NM_000296.3); c.11274_11275del (NM_001009944.2); c.11271_11272del, p.Tyr3758fs (NM_000296.4); c.11274_11275delCT (NM_001009944.2); short protein forms Y3758fs, Y3759fs.
Identifiers: ClinVar variation 440075 (VCV000440075.13), dbSNP rs1555446105, ClinGen allele CA645509215.
Genomic context (GRCh38, chr16:2,092,182, plus strand): 5'-CTGGTGCTGAAGCCTCCTGCGGCCGAGCACGTGTGGACCCTGGGGCCGGGAGGGTCTGGG[TAG>T]AGTGCTGAAACACACAGAGCCCCAGGCCGGGGCCAGGGCCTCATCAAAACCCAACAGGAG-3'

ClinVar aggregate classification (germline): Pathogenic. Review status: criteria provided, multiple submitters, no conflicts (2 of 4 stars). 5 submissions from 5 submitters: Pathogenic (5). Last evaluated 2026-04-30.

Conditions:
PKD1-related disorder. Also called: PKD1-related condition.
Polycystic kidney disease, adult type (PKD1). Also called: POLYCYSTIC KIDNEY DISEASE 1 WITH OR WITHOUT POLYCYSTIC LIVER DISEASE; POLYCYSTIC KIDNEY DISEASE, ADULT, TYPE I; Polycystic Kidney Disease 1, Autosomal Dominant; Polycystic kidney disease 1; Polycystic kidney disease 1, severe; Polycystic Kidney, Autosomal Dominant. Identifiers: MedGen C3149841, MONDO:0008263, OMIM 173900.

Submissions (5):

GeneDx
Classification: Pathogenic. Last evaluated: 2026-04-30. Review status: criteria provided, single submitter. Criteria: GeneDx Variant Classification Process June 2021. Collection method: clinical testing. Allele origin: germline.
Comment: Frameshift variant predicted to result in protein truncation or nonsense mediated decay in a gene for which loss of function is a known mechanism of disease; Not observed at significant frequency in large population cohorts (gnomAD); This variant is associated with the following publications: (PMID: 35778421, 36755831)

PreventionGenetics, part of Exact Sciences
Classification: Pathogenic for PKD1-related condition. Last evaluated: 2026-04-27. Review status: criteria provided, single submitter. Criteria: ACMG Guidelines, 2015. Collection method: clinical testing. Allele origin: germline.
Comment: The PKD1 c.11274_11275delCT variant is predicted to result in a frameshift and premature protein termination (p.Tyr3759Profs*56). This variant was reported in an individual with autosomal dominant polycystic kidney disease (ADPKD) (Supplementary Table 2, Yu et al. 2022. PubMed ID: 35778421). This variant has not been reported in a large population database (gnomAD), indicating this variant is rare. Frameshift variants in PKD1 are expected to be pathogenic. This variant is interpreted as pathogenic.

Variantyx, Inc.
Classification: Pathogenic for Polycystic kidney disease, adult type. Last evaluated: 2025-08-25. Review status: criteria provided, single submitter. Criteria: Variantyx Assertion Criteria 2022. Collection method: clinical testing. Allele origin: germline. Inheritance: Autosomal dominant inheritance. Affected: yes.
Comment: This is a frameshift variant in the PKD1 gene (OMIM: 601313). Pathogenic variants in this gene have been associated with autosomal dominant polycystic kidney disease 1. This variant introduces a premature termination codon in exon 40 out of 46 and is expected to result in loss of function, which is a known disease mechanism for PKD1 in this disorder (PMID: 29529603, 24694054, 25491204) (PVS1). This variant has been reported in at least two unrelated affected individuals (PMID: 35778421) (PS4_Moderate, while it is absent from control populations (PM2). Based on the current evidence, this variant is classified as pathogenic for autosomal dominant polycystic kidney disease 1.

Athena Diagnostics
Classification: Pathogenic. Last evaluated: 2020-10-23. Review status: criteria provided, single submitter. Criteria: Athena Diagnostics criteria. Collection method: clinical testing. Allele origin: unknown.
Comment: This variant is expected to result in the loss of a functional protein. This variant has not been reported in large, multi-ethnic general populations. This variant has been identified in at least one individual with clinical features associated with this gene.

ARUP Laboratories, Molecular Genetics and Genomics, ARUP Laboratories
Classification: Pathogenic. Last evaluated: 2016-08-05. Review status: criteria provided, single submitter. Criteria: ARUP Molecular Germline Variant Investigation Process. Collection method: clinical testing. Allele origin: germline.

Literature cited by the submitters: PubMed 35778421 (cited by Variantyx, Inc.); PubMed 29529603 (cited by Variantyx, Inc.); PubMed 24694054 (cited by Variantyx, Inc.); PubMed 25491204 (cited by Variantyx, Inc.).